The following is an entry in ClinVar:

NM_000051.4(ATM):c.8552C>T (p.Ala2851Val)

Genes: ATM (ATM serine/threonine kinase; plus strand), C11orf65 (chromosome 11 open reading frame 65; minus strand). Cytogenetic location: 11q22.3.
Variant type: single nucleotide variant.
Coding change: c.8552C>T on transcript NM_000051.4 (MANE Select); coding-DNA position 8552, C replaced by T.
Protein change: p.Ala2851Val; replaces alanine 2851 with valine.
Molecular consequence: missense variant. On other transcripts: intron variant (2).
Genome position (GRCh38, 1-based): chr11:108,345,876, C>T. VCF-style: chr11-108345876-C-T. GRCh37 (hg19) VCF-style: chr11-108216603-C-T.
Other names: c.8552C>T, p.Ala2851Val (NM_001351834.2); c.641-36805G>A (NM_001330368.2); c.695-10584G>A (NM_001351110.2); short protein forms A2851V.
Identifiers: ClinVar variation 232330 (VCV000232330.11), dbSNP rs876659701, ClinGen allele CA10579305.

ClinVar aggregate classification (germline): Uncertain significance. Review status: criteria provided, multiple submitters, no conflicts (2 of 4 stars). 2 submissions from 2 submitters: Uncertain significance (2). Last evaluated 2021-05-05.

Conditions:
Hereditary cancer-predisposing syndrome. Also called: Neoplastic Syndromes, Hereditary; Hereditary neoplastic syndrome; Tumor predisposition; Hereditary Cancer Syndrome. Identifiers: Orphanet 140162, MedGen C0027672, MeSH D009386, MONDO:0015356.

Submissions (2):

GeneDx
Classification: Uncertain significance. Last evaluated: 2021-05-05. Review status: criteria provided, single submitter. Criteria: GeneDx Variant Classification Process June 2021. Collection method: clinical testing. Allele origin: germline. Affected: yes.
Comment: Has not been previously published as pathogenic or benign to our knowledge; Not observed in large population cohorts (Lek 2016); In silico analysis supports that this missense variant has a deleterious effect on protein structure/function

Ambry Genetics
Classification: Uncertain significance for Hereditary cancer-predisposing syndrome. Last evaluated: 2021-02-26. Review status: criteria provided, single submitter. Criteria: Ambry Variant Classification Scheme 2023. Collection method: clinical testing. Allele origin: germline.
Comment: The p.A2851V variant (also known as c.8552C>T), located in coding exon 57 of the ATM gene, results from a C to T substitution at nucleotide position 8552. The alanine at codon 2851 is replaced by valine, an amino acid with similar properties. This amino acid position is highly conserved in available vertebrate species. In addition, this alteration is predicted to be deleterious by in silico analysis. Since supporting evidence is limited at this time, the clinical significance of this alteration remains unclear.